The following is an entry in ClinVar:

ClinVar aggregate classification (germline): Uncertain significance. Review status: criteria provided, multiple submitters, no conflicts (2 of 4 stars). 2 submissions from 2 submitters: Uncertain significance (2). Last evaluated 2024-05-03.

Conditions:
Smith-Lemli-Opitz syndrome (SLOS). Also called: LETHAL ACRODYSGENITAL SYNDROME; POLYDACTYLY, SEX REVERSAL, RENAL HYPOPLASIA, AND UNILOBAR LUNG; RSH SYNDROME; RUTLEDGE LETHAL MULTIPLE CONGENITAL ANOMALY SYNDROME; 7-Dehydrocholesterol reductase deficiency. Identifiers: Orphanet 818, MedGen C0175694, MONDO:0010035, OMIM 270400.

Allele frequency attached by ClinVar (database versions not stated): gnomAD exomes below 0.00001; gnomAD 0.00001.
gnomAD v4.1: 4 of 1,613,978 alleles (0.00025%); highest among the groups gnomAD compares: Middle Eastern, 0.016%; no homozygotes.

Submissions (2):

Fulgent Genetics
Classification: Uncertain significance for Smith-Lemli-Opitz syndrome. Last evaluated: 2024-05-03. Review status: criteria provided, single submitter. Criteria: ACMG Guidelines, 2015. Collection method: clinical testing. Allele origin: germline.

Labcorp Genetics (formerly Invitae), Labcorp
Classification: Uncertain significance for Smith-Lemli-Opitz syndrome. Last evaluated: 2022-04-10. Review status: criteria provided, single submitter. Criteria: Invitae Variant Classification Sherloc (09022015). Collection method: clinical testing. Allele origin: germline.
Comment: This sequence change replaces asparagine, which is neutral and polar, with aspartic acid, which is acidic and polar, at codon 226 of the DHCR7 protein (p.Asn226Asp). This variant is not present in population databases (gnomAD no frequency). This variant has not been reported in the literature in individuals affected with DHCR7-related conditions. Advanced modeling of protein sequence and biophysical properties (such as structural, functional, and spatial information, amino acid conservation, physicochemical variation, residue mobility, and thermodynamic stability) performed at Invitae indicates that this missense variant is expected to disrupt DHCR7 protein function. In summary, the available evidence is currently insufficient to determine the role of this variant in disease. Therefore, it has been classified as a Variant of Uncertain Significance.

NM_001360.3(DHCR7):c.676A>G (p.Asn226Asp)

Gene: DHCR7 (7-dehydrocholesterol reductase; minus strand). Cytogenetic location: 11q13.4.
Variant type: single nucleotide variant.
Coding change: c.676A>G on transcript NM_001360.3 (MANE Select); coding-DNA position 676, A replaced by G.
Protein change: p.Asn226Asp; replaces asparagine 226 with aspartic acid.
Molecular consequence: missense variant.
Genome position (GRCh38, 1-based): chr11:71,439,034, T>C on the plus strand (A>G on the coding strand, the complement: DHCR7 is on the minus strand). VCF-style: chr11-71439034-T-C. GRCh37 (hg19) VCF-style: chr11-71150080-T-C.
Other names: c.676A>G, p.Asn226Asp (NM_001163817.2); short protein forms N226D.
Identifiers: ClinVar variation 2198720 (VCV002198720.2), dbSNP rs1949321312, ClinGen allele CA381703552.
Genomic context (GRCh38, chr11:71,439,034, plus strand): 5'-CGATCCCGGGGCGCCCATTGAAGAACAGCTTGAAGTCAAACCACTTCCCGATCCGAGGGT[T>C]AAACTCGATGCCCATCATGTAGTTGTAAAAGAAATTGCCTGTGAATTTGCTTAAAAATAT-3'
Protein context (NP_001351.2, residues 216-236): FYNYMMGIEF[Asn226Asp]PRIGKWFDFK